The following is an entry in ClinVar:

ClinVar aggregate classification (germline): Uncertain significance. Review status: criteria provided, multiple submitters, no conflicts (2 of 4 stars). 2 submissions from 2 submitters: Uncertain significance (2). Last evaluated 2025-08-19.

Conditions:
Hereditary cancer-predisposing syndrome. Also called: Tumor predisposition; Neoplastic Syndromes, Hereditary; Hereditary Cancer Syndrome; Hereditary neoplastic syndrome. Identifiers: Orphanet 140162, MedGen C0027672, MeSH D009386, MONDO:0015356.
Tuberous sclerosis 1 (TSC1). Identifiers: Orphanet 805, MedGen C1854465, MONDO:0008612, OMIM 191100.

Submissions (2):

Ambry Genetics
Classification: Uncertain significance for Hereditary cancer-predisposing syndrome. Last evaluated: 2025-08-19. Review status: criteria provided, single submitter. Criteria: Ambry Variant Classification Scheme 2023. Collection method: clinical testing. Allele origin: germline.
Comment: The p.E1094V variant (also known as c.3281A>T), located in coding exon 21 of the TSC1 gene, results from an A to T substitution at nucleotide position 3281. The glutamic acid at codon 1094 is replaced by valine, an amino acid with dissimilar properties. This amino acid position is conserved. In addition, the in silico prediction for this alteration is inconclusive. Based on the available evidence, the clinical significance of this variant remains unclear.

Labcorp Genetics (formerly Invitae), Labcorp
Classification: Uncertain significance for Tuberous sclerosis 1. Last evaluated: 2023-11-27. Review status: criteria provided, single submitter. Criteria: Invitae Variant Classification Sherloc (09022015). Collection method: clinical testing. Allele origin: germline.
Comment: This sequence change replaces glutamic acid, which is acidic and polar, with valine, which is neutral and non-polar, at codon 1094 of the TSC1 protein (p.Glu1094Val). This variant is not present in population databases (gnomAD no frequency). This variant has not been reported in the literature in individuals affected with TSC1-related conditions. ClinVar contains an entry for this variant (Variation ID: 1063921). Advanced modeling of protein sequence and biophysical properties (such as structural, functional, and spatial information, amino acid conservation, physicochemical variation, residue mobility, and thermodynamic stability) performed at Invitae indicates that this missense variant is not expected to disrupt TSC1 protein function with a negative predictive value of 95%. In summary, the available evidence is currently insufficient to determine the role of this variant in disease. Therefore, it has been classified as a Variant of Uncertain Significance.

NM_000368.5(TSC1):c.3281A>T (p.Glu1094Val)

Gene: TSC1 (TSC complex subunit 1; minus strand). Cytogenetic location: 9q34.13.
Variant type: single nucleotide variant.
Coding change: c.3281A>T on transcript NM_000368.5 (MANE Select); coding-DNA position 3281, A replaced by T.
Protein change: p.Glu1094Val; replaces glutamic acid 1094 with valine.
Molecular consequence: missense variant.
Genome position (GRCh38, 1-based): chr9:132,896,449, T>A on the plus strand (A>T on the coding strand, the complement: TSC1 is on the minus strand). VCF-style: chr9-132896449-T-A. GRCh37 (hg19) VCF-style: chr9-135771836-T-A.
Other names: c.3278A>T, p.Glu1093Val (NM_001162426.2); c.3128A>T, p.Glu1043Val (NM_001162427.2); c.2918A>T, p.Glu973Val (NM_001362177.2); c.3281A>T (NM_000368.4); short protein forms E1043V, E1093V, E1094V, E973V.
Identifiers: ClinVar variation 1063921 (VCV001063921.10), dbSNP rs1588286774, ClinGen allele CA375366742.
Genomic context (GRCh38, chr9:132,896,449, plus strand): 5'-GAAAGGCTACTGGTCATGCCGTCCTCATCACACTGGCTCTCGCTCTTATTACGAAATAAC[T>A]CTCGAGCCTTCATACCCAGGAAGCTTTTTGAACTGGGAAGTGAGCCCACAGTGGTGGGGA-3'
Protein context (NP_000359.1, residues 1084-1104): SKSFLGMKAR[Glu1094Val]LFRNKSESQC